The following is an entry in ClinVar:

ClinVar aggregate classification (germline): Uncertain significance (1 of 4 stars; one submission).

Allele frequency attached by ClinVar (database versions not stated): ExAC 0.00001; gnomAD exomes 0.00001; TOPMed 0.00002; gnomAD 0.00003; 1000 Genomes Project 30x 0.00031.
gnomAD v4.1: 19 of 1,607,404 alleles (0.0012%); highest among the groups gnomAD compares: African/African-American, 0.0053%; no homozygotes.

Submission:

Labcorp Genetics (formerly Invitae), Labcorp
Classification: Uncertain significance. Last evaluated: 2022-06-18. Review status: criteria provided, single submitter. Criteria: Invitae Variant Classification Sherloc (09022015). Collection method: clinical testing. Allele origin: germline.
Comment: This sequence change replaces isoleucine, which is neutral and non-polar, with threonine, which is neutral and polar, at codon 1330 of the ABCC6 protein (p.Ile1330Thr). This variant is present in population databases (rs760794410, gnomAD 0.003%). This missense change has been observed in individual(s) with pseudoxanthoma elasticum (PMID: 33812167). Algorithms developed to predict the effect of missense changes on protein structure and function are either unavailable or do not agree on the potential impact of this missense change (SIFT: "Deleterious"; PolyPhen-2: "Benign"; Align-GVGD: "Class C0"). In summary, the available evidence is currently insufficient to determine the role of this variant in disease. Therefore, it has been classified as a Variant of Uncertain Significance.

Literature cited by the submitters: PubMed 33812167.

NM_001171.6(ABCC6):c.3989T>C (p.Ile1330Thr)

Gene: ABCC6 (ATP binding cassette subfamily C member 6; minus strand). Cytogenetic location: 16p13.11.
Variant type: single nucleotide variant.
Coding change: c.3989T>C on transcript NM_001171.6 (MANE Select); coding-DNA position 3989, T replaced by C.
Protein change: p.Ile1330Thr; replaces isoleucine 1330 with threonine.
Molecular consequence: missense variant. On other transcripts: non-coding transcript variant (1).
Genome position (GRCh38, 1-based): chr16:16,154,925, A>G on the plus strand (T>C on the coding strand, the complement: ABCC6 is on the minus strand). VCF-style: chr16-16154925-A-G. GRCh37 (hg19) VCF-style: chr16-16248782-A-G.
Other names: c.3647T>C, p.Ile1216Thr (NM_001351800.1); short protein forms I1330T, I1216T.
Identifiers: ClinVar variation 2059860 (VCV002059860.1), dbSNP rs760794410, ClinGen allele CA7925360.
Genomic context (GRCh38, chr16:16,154,925, plus strand): 5'-AGCCTCACCTGGGGGATGATGCTGATCCTGGAGCGCAGTGTGTGCAGCCCCACGTGGGCA[A>G]TGGGGACCCCGTCGATCCAGATCCCACCCTCAGCTGCCTCCTGGAGCCGCAGCAGCCCAC-3'
Protein context (NP_001162.5, residues 1320-1340): EGGIWIDGVP[Ile1330Thr]AHVGLHTLRS